The following is an entry in ClinVar:

ClinVar aggregate classification (germline): Uncertain significance (1 of 4 stars; one submission).

gnomAD v4.1: 3 of 1,614,204 alleles (0.00019%); highest among the groups gnomAD compares: South Asian, 0.0033%; no homozygotes.

Submission:

Ambry Genetics
Classification: Uncertain significance. Last evaluated: 2024-05-24. Review status: criteria provided, single submitter. Criteria: Ambry Variant Classification Scheme 2023. Collection method: clinical testing. Allele origin: germline.
Comment: The p.P341T variant (also known as c.1021C>A), located in coding exon 10 of the BUB1 gene, results from a C to A substitution at nucleotide position 1021. The proline at codon 341 is replaced by threonine, an amino acid with highly similar properties. This amino acid position is conserved. In addition, this alteration is predicted to be tolerated by in silico analysis. Based on the available evidence, the clinical significance of this variant remains unclear.

NM_004336.5(BUB1):c.1021C>A (p.Pro341Thr)

Gene: BUB1 (BUB1 mitotic checkpoint serine/threonine kinase; minus strand). Cytogenetic location: 2q13.
Variant type: single nucleotide variant.
Coding change: c.1021C>A on transcript NM_004336.5 (MANE Select); coding-DNA position 1021, C replaced by A.
Protein change: p.Pro341Thr; replaces proline 341 with threonine.
Molecular consequence: missense variant.
Genome position (GRCh38, 1-based): chr2:110,661,778, G>T on the plus strand (C>A on the coding strand, the complement: BUB1 is on the minus strand). VCF-style: chr2-110661778-G-T. GRCh37 (hg19) VCF-style: chr2-111419355-G-T.
Other names: c.961C>A, p.Pro321Thr (NM_001278616.2); c.1021C>A, p.Pro341Thr (NM_001278617.2); short protein forms P341T, P321T.
Identifiers: ClinVar variation 3262163 (VCV003262163.1).